The following is an entry in ClinVar:

ClinVar aggregate classification (germline): Likely benign (1 of 4 stars; one submission).

Allele frequency attached by ClinVar (database versions not stated): 1000 Genomes Project 0.00200; 1000 Genomes Project 30x 0.00219; TOPMed 0.00282; gnomAD 0.00292; ESP Exome Variant Server 0.00323; ExAC 0.00404; gnomAD exomes 0.00470.
gnomAD v4.1: 7,237 of 1,614,166 alleles (0.45%); highest among the groups gnomAD compares: Non-Finnish European, 0.56%; 31 homozygotes.

Submission:

CeGaT Center for Human Genetics Tuebingen
Classification: Likely benign. Last evaluated: 2023-02-01. Review status: criteria provided, single submitter. Criteria: CeGaT Center For Human Genetics Tuebingen Variant Classification Criteria Version 2. Collection method: clinical testing. Allele origin: germline. Affected: yes. Observed: 1 variant allele.
Comment: ACSM5: BP4, BS2

NM_017888.3(ACSM5):c.1259C>T (p.Ala420Val)

Gene: ACSM5 (acyl-CoA synthetase medium chain family member 5; plus strand). Cytogenetic location: 16p12.3.
Variant type: single nucleotide variant.
Coding change: c.1259C>T on transcript NM_017888.3 (MANE Select); coding-DNA position 1259, C replaced by T.
Protein change: p.Ala420Val; replaces alanine 420 with valine.
Molecular consequence: missense variant.
Genome position (GRCh38, 1-based): chr16:20,431,272, C>T. VCF-style: chr16-20431272-C-T. GRCh37 (hg19) VCF-style: chr16-20442594-C-T.
Other names: c.1259C>T, p.Ala420Val (NM_001324371.2, NM_001324372.2); short protein forms A420V.
Identifiers: ClinVar variation 2646282 (VCV002646282.24), dbSNP rs138834094, ClinGen allele CA7940750.